The following is an entry in ClinVar:

NM_001018115.3(FANCD2):c.888+3A>G

Genes: FANCD2 (FA complementation group D2; plus strand), LOC107303338 (3p25 FANCD2 Alu-mediated recombination region; plus strand). Cytogenetic location: 3p25.3.
Variant type: single nucleotide variant.
Coding change: c.888+3A>G on transcript NM_001018115.3 (MANE Select); 3 bases into the intron after coding-DNA position 888, A replaced by G.
Molecular consequence: intron variant.
Genome position (GRCh38, 1-based): chr3:10,042,666, A>G. VCF-style: chr3-10042666-A-G. GRCh37 (hg19) VCF-style: chr3-10084350-A-G.
Other names: c.888+3A>G (NM_001319984.2, NM_001374253.1, NM_033084.6 and 1 more transcripts).
Identifiers: ClinVar variation 2905157 (VCV002905157.3), dbSNP rs2470754024, ClinGen allele CA2739279883.

ClinVar aggregate classification (germline): Uncertain significance (1 of 4 stars; one submission).

Conditions:
Fanconi anemia (FA). Also called: Fanconi's anemia. Identifiers: Orphanet 84, MedGen C0015625, MeSH D005199, MONDO:0019391.

Submission:

Labcorp Genetics (formerly Invitae), Labcorp
Classification: Uncertain significance for Fanconi anemia. Last evaluated: 2023-04-27. Review status: criteria provided, single submitter. Criteria: Invitae Variant Classification Sherloc (09022015). Collection method: clinical testing. Allele origin: germline.
Comment: In summary, the available evidence is currently insufficient to determine the role of this variant in disease. Therefore, it has been classified as a Variant of Uncertain Significance. Variants that disrupt the consensus splice site are a relatively common cause of aberrant splicing (PMID: 17576681, 9536098). Algorithms developed to predict the effect of sequence changes on RNA splicing suggest that this variant is not likely to affect RNA splicing. This variant has not been reported in the literature in individuals affected with FANCD2-related conditions. This variant is not present in population databases (gnomAD no frequency). This sequence change falls in intron 11 of the FANCD2 gene. It does not directly change the encoded amino acid sequence of the FANCD2 protein. It affects a nucleotide within the consensus splice site.

Literature cited by the submitters: PubMed 17576681; PubMed 9536098.